The following is an entry in ClinVar:

NC_000005.9:g.(?_78076220)_(78077817_?)del

Gene: ARSB (arylsulfatase B; minus strand). Cytogenetic location: 5q14.1.
Variant type: Deletion.
Identifiers: ClinVar variation 3246278 (VCV003246278.1).

ClinVar aggregate classification (germline): Pathogenic (1 of 4 stars; one submission).

Conditions:
Mucopolysaccharidosis type 6 (MPS6). Also called: MPS 6; Maroteaux Lamy syndrome; ARSB DEFICIENCY; ARYLSULFATASE B DEFICIENCY; N-ACETYLGALACTOSAMINE-4-SULFATASE DEFICIENCY; MPS VI. Identifiers: Orphanet 583, MedGen C0026709, MONDO:0009661, OMIM 253200.

Submission:

Labcorp Genetics (formerly Invitae), Labcorp
Classification: Pathogenic for Mucopolysaccharidosis type 6. Last evaluated: 2023-09-11. Review status: criteria provided, single submitter. Criteria: Invitae Variant Classification Sherloc (09022015). Collection method: clinical testing. Allele origin: unknown.
Comment: This variant is a gross deletion of the genomic region encompassing exon(s) 7-8 of the ARSB gene, which includes the termination codon. This deletion extends beyond the assayed region for this gene and therefore may encompass additional genes. While this deletion is not anticipated to lead to nonsense mediated decay, it is expected to alter mRNA translation or result in a truncated protein product. This variant has not been reported in the literature in individuals affected with ARSB-related conditions. This variant disrupts a region of the ARSB protein in which other variant(s) (p.Tyr513*) have been determined to be pathogenic (PMID: 10923267, 26909334). This suggests that this is a clinically significant region of the protein, and that variants that disrupt it are likely to be disease-causing. For these reasons, this variant has been classified as Pathogenic.

Literature cited by the submitters: PubMed 10923267; PubMed 26909334.